The following is an entry in ClinVar:

NM_001035.3(RYR2):c.8893A>G (p.Lys2965Glu)

Gene: RYR2 (ryanodine receptor 2; plus strand). Cytogenetic location: 1q43.
Variant type: single nucleotide variant.
Coding change: c.8893A>G on transcript NM_001035.3 (MANE Select); coding-DNA position 8893, A replaced by G.
Protein change: p.Lys2965Glu; replaces lysine 2965 with glutamic acid.
Molecular consequence: missense variant.
Genome position (GRCh38, 1-based): chr1:237,678,110, A>G. VCF-style: chr1-237678110-A-G. GRCh37 (hg19) VCF-style: chr1-237841410-A-G.
Other names: short protein forms K2965E.
Identifiers: ClinVar variation 2454020 (VCV002454020.3), dbSNP rs760434323, ClinGen allele CA087760.
Genomic context (GRCh38, chr1:237,678,110, plus strand): 5'-GGTGGCAGCAGAGGCAAAGGAGAACATTTCCCTTATGAACAAGAAATCAAGTTCTTTGCA[A>G]AAGTACAGTATACAATCTATCTTGTTTTTGCTTCAATATGTTTGTTTACATACCCTACTC-3'
Protein context (NP_001026.2, residues 2955-2975): PYEQEIKFFA[Lys2965Glu]VVLPLIDQYF

ClinVar aggregate classification (germline): Uncertain significance. Review status: criteria provided, multiple submitters, no conflicts (2 of 4 stars). 2 submissions from 2 submitters: Uncertain significance (2). Last evaluated 2025-10-28.

Conditions:
Catecholaminergic polymorphic ventricular tachycardia 1. Also called: VENTRICULAR TACHYCARDIA, STRESS-INDUCED POLYMORPHIC 1; VENTRICULAR TACHYCARDIA, CATECHOLAMINERGIC POLYMORPHIC, 1, WITH OR WITHOUT ATRIAL DYSFUNCTION AND/OR DILATED CARDIOMYOPATHY; RYR2-Related Catecholaminergic Polymorphic Ventricular Tachycardia. Identifiers: Orphanet 3286, MedGen C1631597, MONDO:0011484, OMIM 604772.
Cardiovascular phenotype. Identifiers: MedGen CN230736.

Allele frequency attached by ClinVar (database versions not stated): gnomAD exomes below 0.00001; ExAC 0.00001.
gnomAD v4.1: 1 of 1,558,982 alleles (0.000064%); highest among the groups gnomAD compares: Non-Finnish European, 0.000088%; no homozygotes.

Submissions (2):

Labcorp Genetics (formerly Invitae), Labcorp
Classification: Uncertain significance for Catecholaminergic polymorphic ventricular tachycardia 1. Last evaluated: 2025-10-28. Review status: criteria provided, single submitter. Criteria: Invitae Variant Classification Sherloc (09022015). Collection method: clinical testing. Allele origin: germline.
Comment: This sequence change replaces lysine, which is basic and polar, with glutamic acid, which is acidic and polar, at codon 2965 of the RYR2 protein (p.Lys2965Glu). The frequency data for this variant in the population databases is considered unreliable, as metrics indicate poor data quality at this position in the gnomAD database. This variant has not been reported in the literature in individuals affected with RYR2-related conditions. ClinVar contains an entry for this variant (Variation ID: 2454020). An algorithm developed to predict the effect of missense changes on protein structure and function (PolyPhen-2) suggests that this variant is likely to be disruptive. In summary, the available evidence is currently insufficient to determine the role of this variant in disease. Therefore, it has been classified as a Variant of Uncertain Significance.

Ambry Genetics
Classification: Uncertain significance for Cardiovascular phenotype. Last evaluated: 2023-02-10. Review status: criteria provided, single submitter. Criteria: Ambry Variant Classification Scheme 2023. Collection method: clinical testing. Allele origin: germline.
Comment: The p.K2965E variant (also known as c.8893A>G), located in coding exon 61 of the RYR2 gene, results from an A to G substitution at nucleotide position 8893. The lysine at codon 2965 is replaced by glutamic acid, an amino acid with similar properties. This amino acid position is highly conserved in available vertebrate species. In addition, the in silico prediction for this alteration is inconclusive. Since supporting evidence is limited at this time, the clinical significance of this alteration remains unclear.